The following is an entry in ClinVar:

Conditions:
Long QT syndrome 5 (LQT5). Identifiers: Orphanet 101016, Orphanet 768, MedGen C1867904, MONDO:0013372, OMIM 613695.

Submission:

Roden Lab, Vanderbilt University Medical Center
No classification provided (evidence only). Condition: Long QT syndrome 5. Review status: no classification provided. Collection method: in vitro. Allele origin: not applicable. Functional consequence: Effect on ion channel function.
ClinVar note: "not provided" was previously submitted as the classification for the variant. However, the classification appeared to be based only on an observation of functional data so it was converted to no classification on 2025-07-30.

NM_000219.6(KCNE1):c.129G>T (p.Glu43Asp)

Gene: KCNE1 (potassium voltage-gated channel subfamily E regulatory subunit 1; minus strand). Cytogenetic location: 21q22.12.
Variant type: single nucleotide variant.
Coding change: c.129G>T on transcript NM_000219.6 (MANE Select); coding-DNA position 129, G replaced by T.
Protein change: p.Glu43Asp; replaces glutamic acid 43 with aspartic acid.
Molecular consequence: missense variant.
Genome position (GRCh38, 1-based): chr21:34,449,506, C>A on the plus strand (G>T on the coding strand, the complement: KCNE1 is on the minus strand). VCF-style: chr21-34449506-C-A. GRCh37 (hg19) VCF-style: chr21-35821804-C-A.
Other names: c.129G>T, p.Glu43Asp (NM_001127668.4, NM_001127669.4, NM_001127670.4 and 4 more transcripts); short protein forms E43D.
Identifiers: ClinVar variation 3374122 (VCV003374122.2).